The following is an entry in ClinVar:

NM_138694.4(PKHD1):c.6121+2T>A

Gene: PKHD1 (PKHD1 ciliary IPT domain containing fibrocystin/polyductin; minus strand). Cytogenetic location: 6p12.2.
Variant type: single nucleotide variant.
Coding change: c.6121+2T>A on transcript NM_138694.4 (MANE Select); the canonical splice donor site of the intron after coding-DNA position 6121, T replaced by A.
Molecular consequence: splice donor variant.
Genome position (GRCh38, 1-based): chr6:51,934,108, A>T on the plus strand (T>A on the coding strand, the complement: PKHD1 is on the minus strand). VCF-style: chr6-51934108-A-T. GRCh37 (hg19) VCF-style: chr6-51798906-A-T.
Other names: c.6121+2T>A (NM_170724.3).
Identifiers: ClinVar variation 4816709 (VCV004816709.1).

ClinVar aggregate classification (germline): Likely pathogenic (1 of 4 stars; one submission).

Conditions:
Autosomal recessive polycystic kidney disease (ARPKD). Also called: AR polycystic kidney disease. Identifiers: Orphanet 731, Orphanet 8378, MedGen C0085548, MeSH D017044, MONDO:0009889.

Submission:

Natera, Inc.
Classification: Likely pathogenic for Autosomal recessive polycystic kidney disease. Last evaluated: 2025-06-02. Review status: criteria provided, single submitter. Criteria: Natera Variant Classification Schema (03/2026). Collection method: clinical testing. Allele origin: germline.
Comment: The c.6121+2T>A variant in PKHD1 is a canonical splice donor site variant predicted to affect pre-mRNA splicing, which may result in an abnormal transcript and altered protein product. This variant is expected to result in nonsense mediated decay, truncation, or a dysfunctional protein product. This variant is rare in the general population with a frequency below the threshold expected for the associated phenotype(s). Given the available evidence, this variant is classified as Likely Pathogenic.